The following is an entry in ClinVar:

NM_001042492.3(NF1):c.5385T>G (p.Asp1795Glu)

Gene: NF1 (neurofibromin 1; plus strand). Cytogenetic location: 17q11.2.
Variant type: single nucleotide variant.
Coding change: c.5385T>G on transcript NM_001042492.3 (MANE Select); coding-DNA position 5385, T replaced by G.
Protein change: p.Asp1795Glu; replaces aspartic acid 1795 with glutamic acid.
Molecular consequence: missense variant.
Genome position (GRCh38, 1-based): chr17:31,327,615, T>G. VCF-style: chr17-31327615-T-G. GRCh37 (hg19) VCF-style: chr17-29654633-T-G.
Other names: c.5322T>G, p.Asp1774Glu (NM_000267.4); short protein forms D1774E, D1795E.
Identifiers: ClinVar variation 825651 (VCV000825651.4), dbSNP rs1135402870, ClinGen allele CA399009318.

ClinVar aggregate classification (germline): Uncertain significance (1 of 4 stars; one submission).

Conditions:
Hereditary cancer-predisposing syndrome. Also called: Neoplastic Syndromes, Hereditary; Tumor predisposition; Hereditary neoplastic syndrome; Hereditary Cancer Syndrome. Identifiers: Orphanet 140162, MedGen C0027672, MeSH D009386, MONDO:0015356.
Cardiovascular phenotype. Identifiers: MedGen CN230736.

Submission:

Ambry Genetics
Classification: Uncertain significance for Cardiovascular phenotype; Hereditary cancer-predisposing syndrome. Last evaluated: 2023-10-17. Review status: criteria provided, single submitter. Criteria: Ambry Variant Classification Scheme 2023. Collection method: clinical testing. Allele origin: germline.
Comment: The p.D1774E variant (also known as c.5322T>G), located in coding exon 37 of the NF1 gene, results from a T to G substitution at nucleotide position 5322. The aspartic acid at codon 1774 is replaced by glutamic acid, an amino acid with highly similar properties. A similar alteration at this poistion, c.5322T>A, resulting in the same amino acid change, p.D1774E, was reported in an individual with a clinical diagnosis of neurofibromatosis type 1 (Bonatti F et al. Int J Mol Sci 2017 Sep;18(10)). This amino acid position is highly conserved in available vertebrate species. In addition, the in silico prediction for this alteration is inconclusive. Since supporting evidence is limited at this time, the clinical significance of this alteration remains unclear.